The following is an entry in ClinVar:

NM_002693.3(POLG):c.2768G>A (p.Gly923Asp)

Gene: POLG (DNA polymerase gamma, catalytic subunit; minus strand). Cytogenetic location: 15q26.1.
Variant type: single nucleotide variant.
Coding change: c.2768G>A on transcript NM_002693.3 (MANE Select); coding-DNA position 2768, G replaced by A.
Protein change: p.Gly923Asp; replaces glycine 923 with aspartic acid.
Molecular consequence: missense variant.
Genome position (GRCh38, 1-based): chr15:89,320,979, C>T on the plus strand (G>A on the coding strand, the complement: POLG is on the minus strand). VCF-style: chr15-89320979-C-T. GRCh37 (hg19) VCF-style: chr15-89864210-C-T.
Other names: c.2768G>A, p.Gly923Asp (NM_001126131.2); short protein forms G923D.
Identifiers: ClinVar variation 3336586 (VCV003336586.4).

ClinVar aggregate classification (germline): Conflicting classifications of pathogenicity. Review status: criteria provided, conflicting classifications (1 of 4 stars). 3 submissions from 3 submitters: Likely pathogenic (2); Uncertain significance (1). Last evaluated 2024-06-22.

Conditions:
Progressive sclerosing poliodystrophy (MTDPS4A). Also called: Mitochondrial DNA Depletion Syndrome 4A; ALPERS PROGRESSIVE INFANTILE POLIODYSTROPHY; NEURONAL DEGENERATION OF CHILDHOOD WITH LIVER DISEASE, PROGRESSIVE; Alpers Syndrome; ALPERS DIFFUSE DEGENERATION OF CEREBRAL GRAY MATTER WITH HEPATIC CIRRHOSIS; Alpers-Huttenlocher Syndrome. Identifiers: Orphanet 726, MedGen C0205710, MONDO:0008758, OMIM 203700.
Mitochondrial DNA depletion syndrome. Also called: mitochondrial DNA depletion. Identifiers: Orphanet 35698, MedGen C0342782, MONDO:0018158.
Progressive external ophthalmoplegia with mitochondrial DNA deletions, autosomal dominant 1 (PEOA1). Also called: Autosomal Dominant Progressive External Ophthalmoplegia (adPEO); PROGRESSIVE EXTERNAL OPHTHALMOPLEGIA, AUTOSOMAL DOMINANT 1. Identifiers: MedGen C1834846, MONDO:0024528, OMIM 157640.
Progressive external ophthalmoplegia with mitochondrial DNA deletions, autosomal recessive 1 (PEOB1). Also called: Progressive external ophthalmoplegia, autosomal recessive 1; Autosomal Recessive Progressive External Ophthalmoplegia (arPEO). Identifiers: Orphanet 254886, MedGen C4225153, MONDO:0009783, OMIM 258450.
Sensory ataxic neuropathy, dysarthria, and ophthalmoparesis (SANDO). Also called: Epilepsy, progressive myoclonic, type 5; SENSORY ATAXIC NEUROPATHY WITH MITOCHONDRIAL DNA DELETIONS, AUTOSOMAL RECESSIVE; Ataxia Neuropathy Spectrum (ANS); Sensory ataxic neuropathy-dysarthria-ophthalmoparesis syndrome. Identifiers: Orphanet 70595, MedGen C1843851, MONDO:0011835, OMIM 607459.
Mitochondrial DNA depletion syndrome 4b. Also called: Mitochondrial Neurogastrointestinal Encephalopathy Disease, POLG-Related; MNGIE, POLG-RELATED. Identifiers: Orphanet 298, MedGen C3150914, MONDO:0013350, OMIM 613662.

Submissions (3):

Labcorp Genetics (formerly Invitae), Labcorp
Classification: Uncertain significance for Progressive sclerosing poliodystrophy. Last evaluated: 2024-06-22. Review status: criteria provided, single submitter. Criteria: Invitae Variant Classification Sherloc (09022015). Collection method: clinical testing. Allele origin: germline.
Comment: This sequence change replaces glycine, which is neutral and non-polar, with aspartic acid, which is acidic and polar, at codon 923 of the POLG protein (p.Gly923Asp). This variant is not present in population databases (gnomAD no frequency). This missense change has been observed in individual(s) with autosomal recessive progressive external ophthalmoplegia (PMID: 12210792). Advanced modeling of protein sequence and biophysical properties (such as structural, functional, and spatial information, amino acid conservation, physicochemical variation, residue mobility, and thermodynamic stability) performed at Invitae indicates that this missense variant is expected to disrupt POLG protein function with a positive predictive value of 95%. Experimental studies have shown that this missense change affects POLG function (PMID: 15258572, 16368709). In summary, the available evidence is currently insufficient to determine the role of this variant in disease. Therefore, it has been classified as a Variant of Uncertain Significance.

Fulgent Genetics
Classification: Likely pathogenic for Progressive external ophthalmoplegia with mitochondrial DNA deletions, autosomal dominant 1; Progressive sclerosing poliodystrophy; Progressive external ophthalmoplegia with mitochondrial DNA deletions, autosomal recessive 1; Sensory ataxic neuropathy, dysarthria, and ophthalmoparesis; Mitochondrial DNA depletion syndrome 4b. Last evaluated: 2024-05-19. Review status: criteria provided, single submitter. Criteria: ACMG Guidelines, 2015. Collection method: clinical testing. Allele origin: germline.

Women's Health and Genetics/Laboratory Corporation of America, LabCorp
Classification: Likely pathogenic for Mitochondrial DNA depletion syndrome. Last evaluated: 2024-05-15. Review status: criteria provided, single submitter. Criteria: LabCorp Variant Classification Summary - May 2015. Collection method: clinical testing. Allele origin: germline.
Comment: Variant summary: POLG c.2768G>A (p.Gly923Asp) results in a non-conservative amino acid change located in the DNA-directed DNA polymerase, family A, palm domain (IPR001098) of the encoded protein sequence. Five of five in-silico tools predict a damaging effect of the variant on protein function. The variant was absent in 250078 control chromosomes. c.2768G>A has been reported in the literature at a homozygous state in two siblings affected with Progressive External Ophthalmoplegia, and at a heterozygous state in one additional family member with early-onset, mild, nonprogressive ptosis and ophthalmoparesis, however, the rest of 6 carriers in this family were not affected (Lamantea_2002). These data indicate that the variant is likely to be associated with disease. At least one publication reports experimental evidence evaluating an impact on protein function. The most pronounced variant effect results in about 20% of normal activity in vitro (Graziewicz_2004, Stuart_2006). The following publications have been ascertained in the context of this evaluation (PMID: 15258572, 12210792, 16368709). No submitters have cited clinical-significance assessments for this variant to ClinVar. Based on the evidence outlined above, the variant was classified as likely pathogenic.

Literature cited by the submitters: PubMed 12210792 (cited by Labcorp Genetics (formerly Invitae), Labcorp and Women's Health and Genetics/Laboratory Corporation of America, LabCorp); PubMed 15258572 (cited by Labcorp Genetics (formerly Invitae), Labcorp and Women's Health and Genetics/Laboratory Corporation of America, LabCorp); PubMed 16368709 (cited by Labcorp Genetics (formerly Invitae), Labcorp and Women's Health and Genetics/Laboratory Corporation of America, LabCorp).